The following is an entry in ClinVar:

NM_001101426.4(CRPPA):c.*4023C>A

Gene: CRPPA (CDP-L-ribitol pyrophosphorylase A; minus strand). Cytogenetic location: 7p21.2.
Variant type: single nucleotide variant.
Coding change: c.*4023C>A on transcript NM_001101426.4 (MANE Select); 4023 bases downstream of the stop codon, C replaced by A.
Molecular consequence: 3 prime UTR variant. On other transcripts: non-coding transcript variant (1).
Genome position (GRCh38, 1-based): chr7:16,087,672, G>T on the plus strand (C>A on the coding strand, the complement: CRPPA is on the minus strand). VCF-style: chr7-16087672-G-T. GRCh37 (hg19) VCF-style: chr7-16127297-G-T.
Other names: c.*4023C>A (NM_001101417.4, NM_001368197.1).
Identifiers: ClinVar variation 359485 (VCV000359485.5), dbSNP rs12539174, ClinGen allele CA10623564.
Genomic context (GRCh38, chr7:16,087,672, plus strand): 5'-AAAAATATGCATATGCTTCTTACAATTTTGAAACTGAAATTAATAAGAACATATATAAAT[G>T]CAACTATAATGCCAACCACCACCTACACAGCTACTTCTAGTCCACTGATTTTAAGCCATA-3'

ClinVar aggregate classification (germline): Benign (1 of 4 stars; one submission).

Conditions:
Congenital Muscular Dystrophy, alpha-dystroglycan related.

Allele frequency attached by ClinVar (database versions not stated): TOPMed 0.30703; gnomAD 0.31991; 1000 Genomes Project 0.33367; 1000 Genomes Project 30x 0.33448.

Submission:

Illumina Laboratory Services, Illumina
Classification: Benign for Congenital Muscular Dystrophy, alpha-dystroglycan related. Last evaluated: 2018-01-13. Review status: criteria provided, single submitter. Criteria: ICSL Variant Classification Criteria 13 December 2019. Collection method: clinical testing. Allele origin: germline.
Comment: This variant was observed in the ICSL laboratory as part of a predisposition screen in an ostensibly healthy population. It had not been previously curated by ICSL or reported in the Human Gene Mutation Database (HGMD: prior to June 1st, 2018), and was therefore a candidate for classification through an automated scoring system. Utilizing variant allele frequency, disease prevalence and penetrance estimates, and inheritance mode, an automated score was calculated to assess if this variant is too frequent to cause the disease. Based on the score and internal cut-off values, a variant classified as benign is not then subjected to further curation. The score for this variant resulted in a classification of benign for this disease.